The following is an entry in ClinVar:

NM_024312.5(GNPTAB):c.1886dup (p.Thr630fs)

Gene: GNPTAB (N-acetylglucosamine-1-phosphate transferase subunits alpha and beta; minus strand). Cytogenetic location: 12q23.2.
Variant type: Duplication.
Coding change: c.1886dup on transcript NM_024312.5 (MANE Select); coding-DNA position 1886, one base duplicated (T; older notation c.1886dupT).
Protein change: p.Thr630fs; shifts the reading frame from threonine 630.
Molecular consequence: frameshift variant.
Genome position (GRCh38, 1-based): chr12:101,765,031, A duplicated on the plus strand (T on the coding strand, the reverse complement: GNPTAB is on the minus strand). VCF-style (leftmost placement, unchanged base first): chr12-101765030-T-TA. GRCh37 (hg19) VCF-style: chr12-102158808-T-TA.
Other names: short protein forms T630fs.
Identifiers: ClinVar variation 5019549 (VCV005019549.2).

ClinVar aggregate classification (germline): Likely pathogenic (1 of 4 stars; one submission).

Conditions:
Mucolipidosis type II. Also called: ML II ALPHA/BETA; Mucolipidosis 2; ML 2; Inclusion cell disease; Leroy Disease; N-acetylglucosamine 1phosphotransferase deficiency. Identifiers: Orphanet 576, MedGen C2673377, MONDO:0009650, OMIM 252500.
Pseudo-Hurler polydystrophy. Also called: ML III; ML III ALPHA/BETA; ML IIIA; MUCOLIPIDOSIS IIIA; Mucolipidosis III Alpha/Beta; Type III Mucolipidosis. Identifiers: Orphanet 423461, Orphanet 577, MedGen C0033788, MONDO:0018931, OMIM 252600.

Submission:

Juno Genomics, Hangzhou Juno Genomics, Inc
Classification: Likely pathogenic for Mucolipidosis type II; Pseudo-Hurler polydystrophy. Review status: criteria provided, single submitter. Criteria: ACMG Guidelines, 2015. Collection method: clinical testing. Allele origin: germline.
Comment: Absent from controls (or at extremely low frequency if recessive) in Genome Aggregation Database.;Null variant in a gene where loss of function (LOF) is a known mechanism of disease.